The following is an entry in ClinVar:

NM_001291415.2(KDM6A):c.1474A>G (p.Ser492Gly)

Gene: KDM6A (lysine demethylase 6A; plus strand). Cytogenetic location: Xp11.3.
Variant type: single nucleotide variant.
Coding change: c.1474A>G on transcript NM_001291415.2 (MANE Select); coding-DNA position 1474, A replaced by G.
Protein change: p.Ser492Gly; replaces serine 492 with glycine.
Molecular consequence: missense variant. On other transcripts: non-coding transcript variant (1), intron variant (8).
Genome position (GRCh38, 1-based): chrX:45,060,753, A>G. VCF-style: chrX-45060753-A-G. GRCh37 (hg19) VCF-style: chrX-44919998-A-G.
Other names: c.1339A>G, p.Ser447Gly (NM_001291416.2, NM_001419811.1); c.1474A>G, p.Ser492Gly (NM_001419809.1, NM_001419810.1, NM_001419813.1); c.1330-571A>G (NM_001419812.1, NM_021140.4, NM_001419814.1 and 1 more transcripts); c.1195-571A>G (NM_001291417.2, NM_001419815.1, NM_001291418.2); c.442-571A>G (NM_001291421.2); short protein forms S447G, S492G.
Identifiers: ClinVar variation 2660370 (VCV002660370.24), dbSNP rs1438320100, ClinGen allele CA412784479.

ClinVar aggregate classification (germline): Uncertain significance (1 of 4 stars; one submission).

Submission:

CeGaT Center for Human Genetics Tuebingen
Classification: Uncertain significance. Last evaluated: 2023-08-01. Review status: criteria provided, single submitter. Criteria: CeGaT Center For Human Genetics Tuebingen Variant Classification Criteria Version 2. Collection method: clinical testing. Allele origin: germline. Affected: yes. Observed: 2 variant alleles.
Comment: KDM6A: PM2, BP4